The following is an entry in ClinVar:

ClinVar aggregate classification (germline): Benign/Likely benign. Review status: criteria provided, multiple submitters, no conflicts (2 of 4 stars). 3 submissions from 3 submitters: Benign (1); Likely benign (2). Last evaluated 2025-06-11.

Conditions:
Hereditary nonpolyposis colorectal neoplasms. Identifiers: MedGen C0009405, MeSH D003123.
Lynch syndrome 5 (LYNCH5). Also called: Hereditary non-polyposis colorectal cancer, type 5; Colorectal cancer, hereditary nonpolyposis, type 5. Identifiers: Orphanet 144, MedGen C1833477, MONDO:0013710, OMIM 614350. Disease mechanism: loss of function.
Hereditary cancer-predisposing syndrome. Also called: Hereditary Cancer Syndrome; Neoplastic Syndromes, Hereditary; Hereditary neoplastic syndrome; Tumor predisposition. Identifiers: Orphanet 140162, MedGen C0027672, MeSH D009386, MONDO:0015356.

Allele frequency attached by ClinVar (database versions not stated): gnomAD exomes 0.00001.
gnomAD v4.1: 3 of 1,614,200 alleles (0.00019%); highest among the groups gnomAD compares: South Asian, 0.0022%; no homozygotes.

Submissions (3):

Labcorp Genetics (formerly Invitae), Labcorp
Classification: Likely benign for Hereditary nonpolyposis colorectal neoplasms. Last evaluated: 2025-06-11. Review status: criteria provided, single submitter. Criteria: Invitae Variant Classification Sherloc (09022015). Collection method: clinical testing. Allele origin: germline.

Myriad Genetics, Inc.
Classification: Benign for Lynch syndrome 5. Last evaluated: 2024-12-27. Review status: criteria provided, single submitter. Criteria: Myriad Autosomal Dominant, Autosomal Recessive and X-Linked Classification Criteria (2023). Collection method: clinical testing. Allele origin: unknown.
Comment: This variant is considered benign. This variant is a silent/synonymous amino acid change and it is not expected to impact splicing.

Ambry Genetics
Classification: Likely benign for Hereditary cancer-predisposing syndrome. Last evaluated: 2020-03-06. Review status: criteria provided, single submitter. Criteria: Ambry Variant Classification Scheme 2023. Collection method: clinical testing. Allele origin: germline.

NM_000179.3(MSH6):c.1734T>C (p.His578=)

Gene: MSH6 (mutS homolog 6; plus strand). Cytogenetic location: 2p16.3.
Variant type: single nucleotide variant.
Coding change: c.1734T>C on transcript NM_000179.3 (MANE Select); coding-DNA position 1734, T replaced by C.
Protein change: p.His578=; no amino-acid change (histidine 578 retained).
Molecular consequence: synonymous variant.
Genome position (GRCh38, 1-based): chr2:47,799,717, T>C. VCF-style: chr2-47799717-T-C. GRCh37 (hg19) VCF-style: chr2-48026856-T-C.
Other names: c.1344T>C, p.His448= (NM_001281492.2); c.828T>C, p.His276= (NM_001281493.2, NM_001281494.2).
Identifiers: ClinVar variation 700363 (VCV000700363.14), dbSNP rs1572724206, ClinGen allele CA426121023.